The following is an entry in ClinVar:

NM_001557.4(CXCR2):c.1043T>C (p.Phe348Ser)

Gene: CXCR2 (C-X-C motif chemokine receptor 2; plus strand). Cytogenetic location: 2q35.
Variant type: single nucleotide variant.
Coding change: c.1043T>C on transcript NM_001557.4 (MANE Select); coding-DNA position 1043, T replaced by C.
Protein change: p.Phe348Ser; replaces phenylalanine 348 with serine.
Molecular consequence: missense variant.
Genome position (GRCh38, 1-based): chr2:218,135,844, T>C. VCF-style: chr2-218135844-T-C. GRCh37 (hg19) VCF-style: chr2-219000567-T-C.
Other names: c.1043T>C, p.Phe348Ser (NM_001168298.2); c.1043T>C (NM_001557.3); short protein forms F348S.
Identifiers: ClinVar variation 2154040 (VCV002154040.2), dbSNP rs370921619, ClinGen allele CA2101842.
Genomic context (GRCh38, chr2:218,135,844, plus strand): 5'-TTCTAGCTATACATGGCTTGATCAGCAAGGACTCCCTGCCCAAAGACAGCAGGCCTTCCT[T>C]TGTTGGCTCTTCTTCAGGGCACACTTCCACTACTCTCTAAGACCTCCTGCCTAAGTGCAG-3'
Protein context (NP_001548.1, residues 338-358): DSLPKDSRPS[Phe348Ser]VGSSSGHTST

ClinVar aggregate classification (germline): Uncertain significance. Review status: criteria provided, multiple submitters, no conflicts (2 of 4 stars). 2 submissions from 2 submitters: Uncertain significance (2). Last evaluated 2025-09-22.

Allele frequency attached by ClinVar (database versions not stated): gnomAD 0.00001; ESP Exome Variant Server 0.00008; gnomAD exomes below 0.00001; TOPMed below 0.00001; ExAC 0.00001.

Submissions (2):

Ambry Genetics
Classification: Uncertain significance. Last evaluated: 2025-09-22. Review status: criteria provided, single submitter. Criteria: Ambry Variant Classification Scheme 2023. Collection method: clinical testing. Allele origin: germline.

Labcorp Genetics (formerly Invitae), Labcorp
Classification: Uncertain significance. Last evaluated: 2022-06-29. Review status: criteria provided, single submitter. Criteria: Invitae Variant Classification Sherloc (09022015). Collection method: clinical testing. Allele origin: germline.
Comment: This sequence change replaces phenylalanine, which is neutral and non-polar, with serine, which is neutral and polar, at codon 348 of the CXCR2 protein (p.Phe348Ser). This variant is present in population databases (rs370921619, gnomAD 0.002%). This variant has not been reported in the literature in individuals affected with CXCR2-related conditions. Algorithms developed to predict the effect of missense changes on protein structure and function (SIFT, PolyPhen-2, Align-GVGD) all suggest that this variant is likely to be tolerated. In summary, the available evidence is currently insufficient to determine the role of this variant in disease. Therefore, it has been classified as a Variant of Uncertain Significance.